The following is an entry in ClinVar:

ClinVar aggregate classification (germline): Uncertain significance. Review status: criteria provided, multiple submitters, no conflicts (2 of 4 stars). 2 submissions from 2 submitters: Uncertain significance (2). Last evaluated 2026-01-01.

Conditions:
Norman-Roberts syndrome (LIS2). Also called: Lissencephaly 2 (Norman-Roberts type). Identifiers: Orphanet 89844, MedGen C0796089, MONDO:0009760, OMIM 257320.
Familial temporal lobe epilepsy 7. Identifiers: Orphanet 101046, MedGen C4225327, MONDO:0014639, OMIM 616436.

Allele frequency attached by ClinVar (database versions not stated): gnomAD 0.00001; gnomAD exomes 0.00001; TOPMed 0.00001.
gnomAD v4.1: 10 of 1,613,942 alleles (0.00062%); highest among the groups gnomAD compares: Non-Finnish European, 0.00085%; no homozygotes.

Submissions (2):

Labcorp Genetics (formerly Invitae), Labcorp
Classification: Uncertain significance for Familial temporal lobe epilepsy 7; Norman-Roberts syndrome. Last evaluated: 2026-01-01. Review status: criteria provided, single submitter. Criteria: Invitae Variant Classification Sherloc (09022015). Collection method: clinical testing. Allele origin: germline.
Comment: This sequence change replaces asparagine, which is neutral and polar, with lysine, which is basic and polar, at codon 1689 of the RELN protein (p.Asn1689Lys). This variant is present in population databases (no rsID available, gnomAD 0.0009%). This variant has not been reported in the literature in individuals affected with RELN-related conditions. ClinVar contains an entry for this variant (Variation ID: 1318597). Invitae Evidence Modeling of protein sequence and biophysical properties (such as structural, functional, and spatial information, amino acid conservation, physicochemical variation, residue mobility, and thermodynamic stability) indicates that this missense variant is not expected to disrupt RELN protein function with a negative predictive value of 80%. In summary, the available evidence is currently insufficient to determine the role of this variant in disease. Therefore, it has been classified as a Variant of Uncertain Significance.

GeneDx
Classification: Uncertain significance. Last evaluated: 2020-06-30. Review status: criteria provided, single submitter. Criteria: GeneDx Variant Classification Process June 2021. Collection method: clinical testing. Allele origin: germline. Affected: yes.
Comment: Not observed at a significant frequency in large population cohorts (Lek et al., 2016); In silico analysis supports that this missense variant does not alter protein structure/function; Has not been previously published as pathogenic or benign to our knowledge

NM_005045.4(RELN):c.5067C>A (p.Asn1689Lys)

Gene: RELN (reelin; minus strand). Cytogenetic location: 7q22.1.
Variant type: single nucleotide variant.
Coding change: c.5067C>A on transcript NM_005045.4 (MANE Select); coding-DNA position 5067, C replaced by A.
Protein change: p.Asn1689Lys; replaces asparagine 1689 with lysine.
Molecular consequence: missense variant.
Genome position (GRCh38, 1-based): chr7:103,565,421, G>T on the plus strand (C>A on the coding strand, the complement: RELN is on the minus strand). VCF-style: chr7-103565421-G-T. GRCh37 (hg19) VCF-style: chr7-103205868-G-T.
Other names: c.5067C>A, p.Asn1689Lys (NM_173054.3); short protein forms N1689K.
Identifiers: ClinVar variation 1318597 (VCV001318597.9), dbSNP rs1030981974, ClinGen allele CA163913443.
Genomic context (GRCh38, chr7:103,565,421, plus strand): 5'-CAGACAGCCAATGGTTGGAGGAACACACTCTTCGGTGACAAGATGCCAGTCCTTGCCATT[G>T]TTCAGAGAATACTGGAGCTGTACACTGTGGGAGTTGCTGAAGGGCTTGCTACAGCCCATG-3'
Protein context (NP_005036.2, residues 1679-1699): SHSVQLQYSL[Asn1689Lys]NGKDWHLVTE